The following is an entry in ClinVar:

NM_001145715.3(KPNA7):c.1015C>A (p.Pro339Thr)

Gene: KPNA7 (karyopherin subunit alpha 7; minus strand). Cytogenetic location: 7q22.1.
Variant type: single nucleotide variant.
Coding change: c.1015C>A on transcript NM_001145715.3 (MANE Select); coding-DNA position 1015, C replaced by A.
Protein change: p.Pro339Thr; replaces proline 339 with threonine.
Molecular consequence: missense variant.
Genome position (GRCh38, 1-based): chr7:99,185,048, G>T on the plus strand (C>A on the coding strand, the complement: KPNA7 is on the minus strand). VCF-style: chr7-99185048-G-T. GRCh37 (hg19) VCF-style: chr7-98782671-G-T.
Other names: short protein forms P339T.
Identifiers: ClinVar variation 445961 (VCV000445961.9), dbSNP rs587777538, ClinGen allele CA163745353.

ClinVar aggregate classification (germline): Uncertain significance. Review status: criteria provided, multiple submitters, no conflicts (2 of 4 stars). 2 submissions from 2 submitters: Uncertain significance (2). Last evaluated 2022-04-23.

Allele frequency attached by ClinVar (database versions not stated): TOPMed 0.00002.
gnomAD v4.1: 99 of 1,551,760 alleles (0.0064%); highest among the groups gnomAD compares: Non-Finnish European, 0.0084%; no homozygotes.

Submissions (2):

Labcorp Genetics (formerly Invitae), Labcorp
Classification: Uncertain significance. Last evaluated: 2022-04-23. Review status: criteria provided, single submitter. Criteria: Invitae Variant Classification Sherloc (09022015). Collection method: clinical testing. Allele origin: germline.
Comment: This sequence change replaces proline, which is neutral and non-polar, with threonine, which is neutral and polar, at codon 339 of the KPNA7 protein (p.Pro339Thr). This variant is present in population databases (rs587777538, gnomAD 0.004%). This variant has not been reported in the literature in individuals affected with KPNA7-related conditions. ClinVar contains an entry for this variant (Variation ID: 445961). Algorithms developed to predict the effect of missense changes on protein structure and function output the following: SIFT: "Tolerated"; PolyPhen-2: "Benign"; Align-GVGD: "Class C0". The threonine amino acid residue is found in multiple mammalian species, which suggests that this missense change does not adversely affect protein function. In summary, the available evidence is currently insufficient to determine the role of this variant in disease. Therefore, it has been classified as a Variant of Uncertain Significance.

Center for Pediatric Genomic Medicine, Children's Mercy Hospital and Clinics
Classification: Uncertain significance. Last evaluated: 2017-09-01. Review status: criteria provided, single submitter. Criteria: ACMG Guidelines, 2015. Collection method: clinical testing. Allele origin: germline.